The following is an entry in ClinVar:

NM_013382.7(POMT2):c.642C>A (p.Asn214Lys)

Gene: POMT2 (protein O-mannosyltransferase 2; minus strand). Cytogenetic location: 14q24.3.
Variant type: single nucleotide variant.
Coding change: c.642C>A on transcript NM_013382.7 (MANE Select); coding-DNA position 642, C replaced by A.
Protein change: p.Asn214Lys; replaces asparagine 214 with lysine.
Molecular consequence: missense variant.
Genome position (GRCh38, 1-based): chr14:77,302,849, G>T on the plus strand (C>A on the coding strand, the complement: POMT2 is on the minus strand). VCF-style: chr14-77302849-G-T. GRCh37 (hg19) VCF-style: chr14-77769192-G-T.
Other names: short protein forms N214K.
Identifiers: ClinVar variation 644886 (VCV000644886.8), dbSNP rs1594797659, ClinGen allele CA390520449.
Genomic context (GRCh38, chr14:77,302,849, plus strand): 5'-TTGCCACAGCTTCCAACCCTCCCCTCCCGGGGATGGAGTTTCTGACCTGTCGGCGCAAGA[G>T]TTGTACTTGACCATGCTCAGCATGGCAGCCATGATGAAGAACATCAGGATGGGGTCAAGG-3'
Protein context (NP_037514.2, residues 204-224): MAAMLSMVKY[Asn214Lys]SCADRPFSAP

ClinVar aggregate classification (germline): Uncertain significance. Review status: criteria provided, multiple submitters, no conflicts (2 of 4 stars). 2 submissions from 2 submitters: Uncertain significance (2). Last evaluated 2021-08-31.

Conditions:
Muscular dystrophy-dystroglycanopathy (congenital with brain and eye anomalies), type A2. Also called: WALKER-WARBURG SYNDROME OR MUSCLE-EYE-BRAIN DISEASE, POMT2-RELATED; MUSCULAR DYSTROPHY-DYSTROGLYCANOPATHY (CONGENITAL WITH BRAIN AND EYE ANOMALIES), TYPE A, 2. Identifiers: Orphanet 588, Orphanet 899, MedGen C3150411, MONDO:0013154, OMIM 613150.
Muscular dystrophy-dystroglycanopathy (congenital with impaired intellectual development), type B, 2. Also called: Muscular dystrophy-dystroglycanopathy (congenital with intellectual disability), type B2; MUSCULAR DYSTROPHY, CONGENITAL, POMT2-RELATED. Identifiers: MedGen C3150416, MONDO:0013160, OMIM 613156.
Autosomal recessive limb-girdle muscular dystrophy type 2N. Also called: MUSCULAR DYSTROPHY-DYSTROGLYCANOPATHY, LIMB-GIRDLE, POMT2-RELATED; Muscular dystrophy-dystroglycanopathy (limb-girdle), type C, 2. Identifiers: Orphanet 206559, MedGen C3150418, MONDO:0013162, OMIM 613158.

Submissions (2):

Labcorp Genetics (formerly Invitae), Labcorp
Classification: Uncertain significance for Muscular dystrophy-dystroglycanopathy (congenital with impaired intellectual development), type B, 2; Muscular dystrophy-dystroglycanopathy (congenital with brain and eye anomalies), type A2; Autosomal recessive limb-girdle muscular dystrophy type 2N. Last evaluated: 2021-08-31. Review status: criteria provided, single submitter. Criteria: Invitae Variant Classification Sherloc (09022015). Collection method: clinical testing. Allele origin: germline.
Comment: This sequence change replaces asparagine with lysine at codon 214 of the POMT2 protein (p.Asn214Lys). The asparagine residue is moderately conserved and there is a moderate physicochemical difference between asparagine and lysine. This variant is not present in population databases (ExAC no frequency). This variant has not been reported in the literature in individuals affected with POMT2-related conditions. Algorithms developed to predict the effect of missense changes on protein structure and function (SIFT, PolyPhen-2, Align-GVGD) all suggest that this variant is likely to be tolerated. In summary, the available evidence is currently insufficient to determine the role of this variant in disease. Therefore, it has been classified as a Variant of Uncertain Significance.

Revvity Omics, Revvity
Classification: Uncertain significance. Last evaluated: 2019-04-17. Review status: criteria provided, single submitter. Criteria: ACMG Guidelines, 2015. Collection method: clinical testing. Allele origin: germline.